The following is an entry in ClinVar:

NM_000550.3(TYRP1):c.497C>G (p.Ser166Ter)

Gene: TYRP1 (tyrosinase related protein 1; plus strand). Cytogenetic location: 9p23.
Variant type: single nucleotide variant.
Coding change: c.497C>G on transcript NM_000550.3 (MANE Select); coding-DNA position 497, C replaced by G.
Protein change: p.Ser166Ter; replaces serine 166 with a stop codon.
Molecular consequence: nonsense.
Genome position (GRCh38, 1-based): chr9:12,695,626, C>G. VCF-style: chr9-12695626-C-G. GRCh37 (hg19) VCF-style: chr9-12695626-C-G.
Other names: short protein forms S166*.
Identifiers: ClinVar variation 17594 (VCV000017594.13), dbSNP rs104894130, ClinGen allele CA127292.

ClinVar aggregate classification (germline): Pathogenic. Review status: criteria provided, multiple submitters, no conflicts (2 of 4 stars). 8 submissions from 7 submitters: Pathogenic (5). 3 of the submissions do not count toward it. Last evaluated 2025-07-28.

Conditions:
TYRP1-related disorder. Also called: TYRP1-related condition.
Oculocutaneous albinism type 3 (OCA3). Also called: ALBINISM III; Rufous OCA; Rufous albinism; RUFOUS OCULOCUTANEOUS ALBINISM; XANTHISM; Albinism, oculocutaneous, type III. Identifiers: Orphanet 79433, MedGen C0342683, MONDO:0008747, OMIM 203290.
MELANESIAN BLOND HAIR (SHEP11). Also called: Skin/hair/eye pigmentation, variation in, 11; SKIN/HAIR/EYE PIGMENTATION 11, BLUE/NONBLUE EYES. Identifiers: MedGen C2677086, OMIM 612271.
ALBINISM, OCULOCUTANEOUS, TYPE II, MODIFIER OF. Identifiers: MedGen C1835054.

Allele frequency attached by ClinVar (database versions not stated): gnomAD exomes 0.00001 and 0.00006; ExAC 0.00007; gnomAD 0.00019 and 0.00021; TOPMed 0.00019.
gnomAD v4.1: 52 of 1,614,014 alleles (0.0032%); highest among the groups gnomAD compares: African/African-American, 0.056%; no homozygotes.

Submissions (8):

Labcorp Genetics (formerly Invitae), Labcorp
Classification: Pathogenic. Last evaluated: 2025-07-28. Review status: criteria provided, single submitter. Criteria: Invitae Variant Classification Sherloc (09022015). Collection method: clinical testing. Allele origin: germline.
Comment: This sequence change creates a premature translational stop signal (p.Ser166*) in the TYRP1 gene. It is expected to result in an absent or disrupted protein product. Loss-of-function variants in TYRP1 are known to be pathogenic (PMID: 8651291, 9345097). This variant is present in population databases (rs104894130, gnomAD 0.06%). This premature translational stop signal has been observed in individual(s) with oculocutaneous albinism (PMID: 9345097). ClinVar contains an entry for this variant (Variation ID: 17594). For these reasons, this variant has been classified as Pathogenic.

First Genomix Gene Laboratory, Genetic Diagnostics Department
Classification: Pathogenic for Oculocutaneous albinism type 3. Last evaluated: 2025-03-26. Review status: criteria provided, single submitter. Criteria: ACMG Guidelines, 2015. Collection method: clinical testing. Allele origin: germline. Inheritance: Autosomal recessive inheritance. Affected: no. Observed: 1 variant allele.

GeneDx
Classification: Pathogenic. Last evaluated: 2024-05-08. Review status: criteria provided, single submitter. Criteria: GeneDx Variant Classification Process June 2021. Collection method: clinical testing. Allele origin: germline. Affected: yes.
Comment: Nonsense variant predicted to result in protein truncation or nonsense mediated decay in a gene for which loss of function is a known mechanism of disease; Not observed at significant frequency in large population cohorts (gnomAD); This variant is associated with the following publications: (PMID: 35616356, 25525159, 18680187, 31589614, 30169122, 10094567, 31345219, 9345097)

Fulgent Genetics
Classification: Pathogenic for Oculocutaneous albinism type 3; MELANESIAN BLOND HAIR. Last evaluated: 2024-03-13. Review status: criteria provided, single submitter. Criteria: ACMG Guidelines, 2015. Collection method: clinical testing. Allele origin: germline.

Blueprint Genetics
Classification: Pathogenic for TYRP1-related disorders. Last evaluated: 2020-06-29. Review status: criteria provided, single submitter. Criteria: ACMG Guidelines, 2015. Collection method: clinical testing. Allele origin: germline. Affected: yes. Observed: 1 variant allele.

PreventionGenetics, part of Exact Sciences
Classification: Pathogenic for TYRP1-related condition. Last evaluated: 2024-04-01. Review status: no assertion criteria provided. Collection method: clinical testing. Allele origin: germline. Not counted in ClinVar's aggregate classification.
Comment: The TYRP1 c.497C>G variant is predicted to result in premature protein termination (p.Ser166*). This variant has been reported in both the homozygous and compound heterozygous states in individuals with oculocutaneous albinism (Manga et al. 1997. PubMed ID: 9345097; Moosa et al. 2022. PubMed ID: 35616356). This variant is reported in 0.068% of alleles in individuals of African descent in gnomAD. Nonsense variants in TYRP1 are expected to be pathogenic and therefore we interpret this variant as pathogenic.

OMIM
Classification: Pathogenic for ALBINISM, OCULOCUTANEOUS, TYPE III. Last evaluated: 2008-09-15. Review status: no assertion criteria provided. Collection method: literature only. Allele origin: germline. Not counted in ClinVar's aggregate classification.

OMIM
Classification: risk factor for ALBINISM, OCULOCUTANEOUS, TYPE II, MODIFIER OF. Last evaluated: 2008-09-15. Review status: no assertion criteria provided. Collection method: literature only. Allele origin: germline. Not counted in ClinVar's aggregate classification.

Literature cited by the submitters: PubMed 8651291 (cited by Labcorp Genetics (formerly Invitae), Labcorp); PubMed 9345097 (cited by Labcorp Genetics (formerly Invitae), Labcorp and OMIM); PubMed 18680187 (cited by OMIM).